The following is an entry in ClinVar:

ClinVar aggregate classification (germline): Conflicting classifications of pathogenicity. Review status: criteria provided, conflicting classifications (1 of 4 stars). 7 submissions from 7 submitters: Uncertain significance (2); Likely benign (5). Last evaluated 2026-05-18.

Conditions:
TTN-related disorder. Also called: TTN-related condition; TTN-related disease; TTN-related disorders.
Cardiovascular phenotype. Identifiers: MedGen CN230736.

Allele frequency attached by ClinVar (database versions not stated): ExAC 0.00007; gnomAD 0.00010 and 0.00011; gnomAD exomes 0.00013 and 0.00015; TOPMed 0.00015.
gnomAD v4.1: 232 of 1,555,952 alleles (0.015%); highest among the groups gnomAD compares: East Asian, 0.19%; no homozygotes.

Submissions (7):

PreventionGenetics, part of Exact Sciences
Classification: Uncertain significance for TTN-related condition. Last evaluated: 2026-05-18. Review status: criteria provided, single submitter. Criteria: ACMG Guidelines, 2015. Collection method: clinical testing. Allele origin: germline.
Comment: The TTN c.11338G>A variant is predicted to result in the amino acid substitution p.Glu3780Lys. This variant has been observed in an individual with dilated cardiomyopathy; however, the c.11338G>A variant was interpreted as likely benign and this patient carried other cardiac related variants (Table S2, reported as c.10249G>A (p.Glu3417Lys), Guelly et al. 2021. PubMed ID: 33552729). This variant is reported in 0.034% of alleles in individuals of East Asian descent in gnomAD. Although we suspect that this variant may be benign, at this time, the clinical significance of this variant is uncertain due to the absence of conclusive functional and genetic evidence.

Women's Health and Genetics/Laboratory Corporation of America, LabCorp
Classification: Likely benign. Last evaluated: 2025-01-31. Review status: criteria provided, single submitter. Criteria: LabCorp Variant Classification Summary - May 2015. Collection method: clinical testing. Allele origin: germline.
Comment: Variant summary: TTN c.10361-3535G>A is located at a position not widely known to affect splicing. TTN c.10361-3535G>A is located at a position not widely known to affect splicing. This variant corresponds to c.11338G>A (p.Glu3780Lys) in NM_001267550. Several computational tools predict a significant impact on normal splicing: One predict the variant no significant impact on splicing. One predict the variant strengthens a cryptic 3' acceptor site. One predict the variant creates a 3' acceptor site. However, these predictions have yet to be confirmed by functional studies. The variant allele was found at a frequency of 0.00015 in 1555952 control chromosomes, predominantly at a frequency of 0.0019 within the East Asian subpopulation in the gnomAD database (v4). The observed variant frequency within East Asian control individuals in the gnomAD database is approximately 3 fold of the estimated maximal expected allele frequency for a pathogenic variant in TTN causing Cardiomyopathy phenotype (0.00063). c.10361-3535G>A has been classified likely benign in one publication (Guelly_2021). These report(s) do not provide unequivocal conclusions about association of the variant with Cardiomyopathy. To our knowledge, no experimental evidence demonstrating an impact on protein function has been reported. The following publication have been ascertained in the context of this evaluation (PMID: 33552729). ClinVar contains an entry for this variant (Variation ID: 178981). Based on the evidence outlined above, the variant was classified as likely benign.

Blueprint Genetics
Classification: Likely benign. Last evaluated: 2024-09-16. Review status: criteria provided, single submitter. Criteria: ACMG Guidelines, 2015. Collection method: clinical testing. Allele origin: germline.

GeneDx
Classification: Likely benign. Last evaluated: 2021-06-08. Review status: criteria provided, single submitter. Criteria: GeneDx Variant Classification Process June 2021. Collection method: clinical testing. Allele origin: germline. Affected: yes.

Ambry Genetics
Classification: Likely benign for Cardiovascular phenotype. Last evaluated: 2020-09-17. Review status: criteria provided, single submitter. Criteria: Ambry Variant Classification Scheme 2023. Collection method: clinical testing. Allele origin: germline.

Laboratory for Molecular Medicine, Mass General Brigham Personalized Medicine
Classification: Likely benign. Last evaluated: 2018-10-24. Review status: criteria provided, single submitter. Criteria: LMM Criteria. Collection method: clinical testing. Allele origin: germline. Observed: 4 variant alleles.
Comment: The p.Glu3542Lys variant in TTN is classified as likely benign because it has be en identified in 0.03% (4/11658) of East Asian chromosomes by gnomAD. ACMG/AMP Criteria applied: BS1.

Eurofins Ntd Llc (ga)
Classification: Uncertain significance. Last evaluated: 2015-09-22. Review status: criteria provided, single submitter. Criteria: EGL Classification Definitions 2015. Collection method: clinical testing. Allele origin: germline. Observed: 3 variant alleles, 3 heterozygotes.

Literature cited by the submitters: PubMed 33552729 (cited by Women's Health and Genetics/Laboratory Corporation of America, LabCorp).

NM_001267550.2(TTN):c.11338G>A (p.Glu3780Lys)

Gene: TTN (titin; minus strand). Cytogenetic location: 2q31.2.
Variant type: single nucleotide variant.
Coding change: c.11338G>A on transcript NM_001267550.2 (MANE Select); coding-DNA position 11338, G replaced by A.
Protein change: p.Glu3780Lys; replaces glutamic acid 3780 with lysine.
Molecular consequence: missense variant. On other transcripts: intron variant (1).
Genome position (GRCh38, 1-based): chr2:178,741,895, C>T on the plus strand (G>A on the coding strand, the complement: TTN is on the minus strand). VCF-style: chr2-178741895-C-T. GRCh37 (hg19) VCF-style: chr2-179606622-C-T.
Other names: p.E3463K:GAG>AAG; c.10387G>A, p.Glu3463Lys (NM_001256850.1); c.10249G>A, p.Glu3417Lys (NM_003319.4); c.10624G>A, p.Glu3542Lys (NM_133432.3); c.10825G>A, p.Glu3609Lys (NM_133437.4); c.10361-3535G>A (NM_133378.4); short protein forms E3542K, E3780K, E3463K, E3417K, E3609K.
Identifiers: ClinVar variation 178981 (VCV000178981.28), dbSNP rs727504586, ClinGen allele CA183425.